The following is an entry in ClinVar:

GRCh38/hg38 4q28.3-31.1(chr4:138370686-139672312)x1

Genes: ELF2 (E74 like ETS transcription factor 2; minus strand), LINC00499 (long independently transcribed non-coding RNA 499; plus strand), MGARP (mitochondria localized glutamic acid rich protein; minus strand), MGST2 (microsomal glutathione S-transferase 2; plus strand), NAA15 (N-alpha-acetyltransferase 15, NatA auxiliary subunit; plus strand) and 44 more. Cytogenetic location: 4q28.3-31.1.
Variant type: copy number loss.
Change: copy number 1 (one copy instead of two) of chr4:138,370,686-139,672,312 (1.30 Mb, GRCh38 coordinates, 1-based), cytogenetic band 4q28.3-31.1.
Identifiers: ClinVar variation 60200 (VCV000060200.1).

ClinVar aggregate classification (germline): no classifications from unflagged records (0 of 4 stars; one submission).

Submission:

ISCA site 15
Classification: Uncertain significance. Last evaluated: 2011-08-12. Review status: flagged submission. Criteria: Kaminsky et al. (Genet Med. 2011). Collection method: clinical testing. Allele origin: unknown. Affected: yes. Observed: 1 variant allele.
Comment: Copy number variation identified through the course of routine clinical cytogenomic testing in postnatal populations. Clinical assertions have been curated as described in Kaminsky et al. 2011.
ClinVar note: Notes: This submission was flagged because its interpretation of this variant conflicts with the ClinGen Gene Dosage Map curation for the gene NAA15.
ClinVar note: Reason: Conflict with ClinGen Gene Dosage Map